The following is an entry in ClinVar:

ClinVar aggregate classification (germline): Benign. Review status: criteria provided, multiple submitters, no conflicts (2 of 4 stars). 3 submissions from 3 submitters: Benign (3). Last evaluated 2026-02-02.

Allele frequency attached by ClinVar (database versions not stated): gnomAD 0.04449; TOPMed 0.05215; gnomAD exomes 0.06500; ESP Exome Variant Server 0.05021; 1000 Genomes Project 30x 0.05340; 1000 Genomes Project 0.05671; ExAC 0.06192.
gnomAD v4.1: 104,065 of 1,614,202 alleles (6.4%); highest among the groups gnomAD compares: East Asian, 13%; 3,719 homozygotes.

Submissions (3):

Labcorp Genetics (formerly Invitae), Labcorp
Classification: Benign. Last evaluated: 2026-02-02. Review status: criteria provided, single submitter. Criteria: Invitae Variant Classification Sherloc (09022015). Collection method: clinical testing. Allele origin: germline.

GeneDx
Classification: Benign. Last evaluated: 2016-02-04. Review status: criteria provided, single submitter. Criteria: GeneDx Variant Classification (06012015). Collection method: clinical testing. Allele origin: germline. Affected: yes.
Comment: This variant is considered likely benign or benign based on one or more of the following criteria: it is a conservative change, it occurs at a poorly conserved position in the protein, it is predicted to be benign by multiple in silico algorithms, and/or has population frequency not consistent with disease.

Breakthrough Genomics
Classification: Benign. Review status: criteria provided, single submitter. Criteria: ACMG Guidelines, 2015. Collection method: not provided. Allele origin: germline. Inheritance: Autosomal recessive inheritance. Affected: yes.

NM_002291.3(LAMB1):c.2578G>A (p.Gly860Ser)

Gene: LAMB1 (laminin subunit beta 1; minus strand). Cytogenetic location: 7q31.1.
Variant type: single nucleotide variant.
Coding change: c.2578G>A on transcript NM_002291.3 (MANE Select); coding-DNA position 2578, G replaced by A.
Protein change: p.Gly860Ser; replaces glycine 860 with serine.
Molecular consequence: missense variant.
Genome position (GRCh38, 1-based): chr7:107,959,361, C>T on the plus strand (G>A on the coding strand, the complement: LAMB1 is on the minus strand). VCF-style: chr7-107959361-C-T. GRCh37 (hg19) VCF-style: chr7-107599806-C-T.
Other names: short protein forms G860S.
Identifiers: ClinVar variation 380840 (VCV000380840.10), dbSNP rs35710474, ClinGen allele CA4435588.
Genomic context (GRCh38, chr7:107,959,361, plus strand): 5'-TCACTGGGTCGCAGTCATCGGCGTGGCCATTGCACTGGCAGGGCTGGCAACTTGGAAAGC[C>T]CCAGTGCCCAGGTAAGCACCGATCACACTGCCGAGCATACACTCCCTGGAAACAGTGGCA-3'
Protein context (NP_002282.2, residues 850-870): QCDRCLPGHW[Gly860Ser]FPSCQPCQCN